The following is an entry in ClinVar:

ClinVar aggregate classification (germline): Uncertain significance. Review status: criteria provided, multiple submitters, no conflicts (2 of 4 stars). 2 submissions from 2 submitters: Uncertain significance (2). Last evaluated 2024-12-12.

Conditions:
Inborn genetic diseases. Identifiers: MedGen C0950123, MeSH D030342.

Allele frequency attached by ClinVar (database versions not stated): gnomAD exomes 0.00002; ESP Exome Variant Server 0.00015; TOPMed 0.00002; ExAC 0.00003; gnomAD 0.00003.
gnomAD v4.1: 65 of 1,614,098 alleles (0.004%); highest among the groups gnomAD compares: Non-Finnish European, 0.0047%; no homozygotes.

Submissions (2):

Ambry Genetics
Classification: Uncertain significance for Inborn genetic diseases. Last evaluated: 2024-12-12. Review status: criteria provided, single submitter. Criteria: Ambry Variant Classification Scheme 2023. Collection method: clinical testing. Allele origin: germline.

Labcorp Genetics (formerly Invitae), Labcorp
Classification: Uncertain significance. Last evaluated: 2022-07-25. Review status: criteria provided, single submitter. Criteria: Invitae Variant Classification Sherloc (09022015). Collection method: clinical testing. Allele origin: germline.
Comment: This sequence change replaces proline, which is neutral and non-polar, with serine, which is neutral and polar, at codon 2505 of the BPTF protein (p.Pro2505Ser). This variant is present in population databases (rs372837861, gnomAD 0.006%). This variant has not been reported in the literature in individuals affected with BPTF-related conditions. ClinVar contains an entry for this variant (Variation ID: 964075). Algorithms developed to predict the effect of missense changes on protein structure and function (SIFT, PolyPhen-2, Align-GVGD) all suggest that this variant is likely to be tolerated. In summary, the available evidence is currently insufficient to determine the role of this variant in disease. Therefore, it has been classified as a Variant of Uncertain Significance.

NM_182641.4(BPTF):c.7135C>T (p.Pro2379Ser)

Gene: BPTF (bromodomain PHD finger transcription factor; plus strand). Cytogenetic location: 17q24.2.
Variant type: single nucleotide variant.
Coding change: c.7135C>T on transcript NM_182641.4 (MANE Select); coding-DNA position 7135, C replaced by T.
Protein change: p.Pro2379Ser; replaces proline 2379 with serine.
Molecular consequence: missense variant.
Genome position (GRCh38, 1-based): chr17:67,945,843, C>T. VCF-style: chr17-67945843-C-T. GRCh37 (hg19) VCF-style: chr17-65941959-C-T.
Other names: c.7513C>T, p.Pro2505Ser (NM_004459.7); c.7135C>T (NM_182641.3); short protein forms P2505S, P2379S.
Identifiers: ClinVar variation 964075 (VCV000964075.8), dbSNP rs372837861, ClinGen allele CA8726340.
Genomic context (GRCh38, chr17:67,945,843, plus strand): 5'-CTGTCTCCTGGACAACAATCCCAGGTTCAGACTACAACCTCACAACCGATTCCAATTCAA[C>T]CACATACATCTCTTCAGATACCTTCCCAAGGCCAGCCACAGTCACAACCCCAGGTACAGT-3'
Protein context (NP_872579.2, residues 2369-2389): TTTSQPIPIQ[Pro2379Ser]HTSLQIPSQG